The following is an entry in ClinVar:

NM_001845.6(COL4A1):c.3554A>G (p.Lys1185Arg)

Gene: COL4A1 (collagen type IV alpha 1 chain; minus strand). Cytogenetic location: 13q34.
Variant type: single nucleotide variant.
Coding change: c.3554A>G on transcript NM_001845.6 (MANE Select); coding-DNA position 3554, A replaced by G.
Protein change: p.Lys1185Arg; replaces lysine 1185 with arginine.
Molecular consequence: missense variant.
Genome position (GRCh38, 1-based): chr13:110,172,722, T>C on the plus strand (A>G on the coding strand, the complement: COL4A1 is on the minus strand). VCF-style: chr13-110172722-T-C. GRCh37 (hg19) VCF-style: chr13-110825069-T-C.
Other names: short protein forms K1185R.
Identifiers: ClinVar variation 4729775 (VCV004729775.1).

ClinVar aggregate classification (germline): Uncertain significance (1 of 4 stars; one submission).

gnomAD v4.1: 1 of 1,613,760 alleles (0.000062%); highest among the groups gnomAD compares: Non-Finnish European, 0.000085%; no homozygotes.

Submission:

Labcorp Genetics (formerly Invitae), Labcorp
Classification: Uncertain significance. Last evaluated: 2025-10-23. Review status: criteria provided, single submitter. Criteria: Invitae Variant Classification Sherloc (09022015). Collection method: clinical testing. Allele origin: germline.
Comment: This sequence change replaces lysine, which is basic and polar, with arginine, which is basic and polar, at codon 1185 of the COL4A1 protein (p.Lys1185Arg). This variant is not present in population databases (gnomAD no frequency). This variant has not been reported in the literature in individuals affected with COL4A1-related conditions. An algorithm developed to predict the effect of missense changes on protein structure and function (PolyPhen-2) suggests that this variant is likely to be disruptive. In summary, the available evidence is currently insufficient to determine the role of this variant in disease. Therefore, it has been classified as a Variant of Uncertain Significance.